The following is an entry in ClinVar:

NM_000138.5(FBN1):c.1937G>A (p.Gly646Asp)

Gene: FBN1 (fibrillin 1; minus strand). Cytogenetic location: 15q21.1.
Variant type: single nucleotide variant.
Coding change: c.1937G>A on transcript NM_000138.5 (MANE Select); coding-DNA position 1937, G replaced by A.
Protein change: p.Gly646Asp; replaces glycine 646 with aspartic acid.
Molecular consequence: missense variant.
Genome position (GRCh38, 1-based): chr15:48,505,048, C>T on the plus strand (G>A on the coding strand, the complement: FBN1 is on the minus strand). VCF-style: chr15-48505048-C-T. GRCh37 (hg19) VCF-style: chr15-48797245-C-T.
Other names: short protein forms G646D.
Identifiers: ClinVar variation 925063 (VCV000925063.11), dbSNP rs1238689648, ClinGen allele CA392339001.

ClinVar aggregate classification (germline): Uncertain significance. Review status: criteria provided, multiple submitters, no conflicts (2 of 4 stars). 4 submissions from 4 submitters: Uncertain significance (4). Last evaluated 2025-02-20.

Conditions:
Familial thoracic aortic aneurysm and aortic dissection (TAAD). Also called: Thoracic aortic aneurysms and dissections. Identifiers: Orphanet 91387, MedGen C4707243, MONDO:0019625.
Marfan syndrome (MFS). Also called: Marfan syndrome, classic; Marfan syndrome type 1; Marfan's syndrome; FBN1-Related Marfan Syndrome; MARFAN SYNDROME, TYPE I. Identifiers: Orphanet 284963, Orphanet 558, MedGen C0024796, MONDO:0007947, OMIM 154700.

Allele frequency attached by ClinVar (database versions not stated): TOPMed below 0.00001; gnomAD 0.00001; gnomAD exomes 0.00001.
gnomAD v4.1: 23 of 1,614,052 alleles (0.0014%); highest among the groups gnomAD compares: Non-Finnish European, 0.0018%; no homozygotes.

Submissions (4):

GeneDx
Classification: Uncertain significance. Last evaluated: 2025-02-20. Review status: criteria provided, single submitter. Criteria: GeneDx Variant Classification Process June 2021. Collection method: clinical testing. Allele origin: germline. Affected: yes.
Comment: Has not been previously published as pathogenic or benign to our knowledge; Not observed at significant frequency in large population cohorts (gnomAD); In silico analysis supports that this missense variant has a deleterious effect on protein structure/function; Does not affect a cysteine or calcium-binding residue within an EGF-like domain or a TGF-binding protein domain of the FBN1 gene; cysteine substitutions in the EGF-like domains represent the majority of pathogenic missense changes associated with FBN1-related disorders (PMID: 12938084); This variant is associated with the following publications: (PMID: 12938084)

Labcorp Genetics (formerly Invitae), Labcorp
Classification: Uncertain significance for Marfan syndrome; Familial thoracic aortic aneurysm and aortic dissection. Last evaluated: 2024-03-18. Review status: criteria provided, single submitter. Criteria: Invitae Variant Classification Sherloc (09022015). Collection method: clinical testing. Allele origin: germline.
Comment: This sequence change replaces glycine, which is neutral and non-polar, with aspartic acid, which is acidic and polar, at codon 646 of the FBN1 protein (p.Gly646Asp). This variant is present in population databases (no rsID available, gnomAD 0.002%). This variant has not been reported in the literature in individuals affected with FBN1-related conditions. ClinVar contains an entry for this variant (Variation ID: 925063). Advanced modeling of protein sequence and biophysical properties (such as structural, functional, and spatial information, amino acid conservation, physicochemical variation, residue mobility, and thermodynamic stability) has been performed at Invitae for this missense variant, however the output from this modeling did not meet the statistical confidence thresholds required to predict the impact of this variant on FBN1 protein function. In summary, the available evidence is currently insufficient to determine the role of this variant in disease. Therefore, it has been classified as a Variant of Uncertain Significance.

Color Diagnostics, LLC DBA Color Health
Classification: Uncertain significance for Familial thoracic aortic aneurysm and aortic dissection. Last evaluated: 2024-03-06. Review status: criteria provided, single submitter. Criteria: ACMG Guidelines, 2015. Collection method: clinical testing. Allele origin: germline.
Comment: This missense variant replaces glycine with aspartic acid at codon 646 of the FBN1 protein. Computational prediction is inconclusive regarding the impact of this variant on protein structure and function (internally defined REVEL score threshold 0.5 < inconclusive < 0.7, PMID: 27666373). To our knowledge, functional studies have not been reported for this variant. This variant has not been reported in individuals affected with cardiovascular disorders in the literature. This variant has been identified in 2/251450 chromosomes in the general population by the Genome Aggregation Database (gnomAD). The available evidence is insufficient to determine the role of this variant in disease conclusively. Therefore, this variant is classified as a Variant of Uncertain Significance.

All of Us Research Program, National Institutes of Health
Classification: Uncertain significance for Marfan syndrome. Last evaluated: 2023-08-15. Review status: criteria provided, single submitter. Criteria: ACMG Guidelines, 2015. Collection method: clinical testing. Allele origin: germline. Inheritance: Autosomal dominant inheritance. Observed: 5 variant alleles, 5 heterozygotes.
Comment: This missense variant replaces glycine with aspartic acid at codon 646 of the FBN1 protein. Computational prediction is inconclusive regarding the impact of this variant on protein structure and function (internally defined REVEL score threshold 0.5 < inconclusive < 0.7, PMID: 27666373). To our knowledge, functional studies have not been reported for this variant. This variant has not been reported in individuals affected with cardiovascular disorders in the literature. This variant has been identified in 2/251450 chromosomes in the general population by the Genome Aggregation Database (gnomAD). The available evidence is insufficient to determine the role of this variant in disease conclusively. Therefore, this variant is classified as a Variant of Uncertain Significance.

This study involves interpretation of variants in research participants for the purpose of population health screening. Participant phenotype was not available at the time of variant classification. Additional details can be found in publication PMID: 35346344, PMCID: PMC8962531